The following is an entry in ClinVar:

ClinVar aggregate classification (germline): Pathogenic (1 of 4 stars; one submission).

Submission:

GeneDx
Classification: Pathogenic. Last evaluated: 2026-07-16. Review status: criteria provided, single submitter. Criteria: GeneDx Variant Classification Process June 2021. Collection method: clinical testing. Allele origin: germline.
Comment: Nonsense variant predicted to result in protein truncation or nonsense mediated decay in a gene for which loss of function is a known mechanism of disease; Not observed at significant frequency in large population cohorts (gnomAD); Has not been previously published as pathogenic or benign to our knowledge

NM_024721.5(ZFHX4):c.2713C>T (p.Gln905Ter)

Gene: ZFHX4 (zinc finger homeobox 4; plus strand). Cytogenetic location: 8q21.13.
Variant type: single nucleotide variant.
Coding change: c.2713C>T on transcript NM_024721.5 (MANE Select); coding-DNA position 2713, C replaced by T.
Protein change: p.Gln905Ter; replaces glutamine 905 with a stop codon.
Molecular consequence: nonsense.
Genome position (GRCh38, 1-based): chr8:76,707,668, C>T. VCF-style: chr8-76707668-C-T. GRCh37 (hg19) VCF-style: chr8-77619903-C-T.
Other names: c.2635C>T, p.Gln879Ter (NM_001410934.1); short protein forms Q879*, Q905*.
Identifiers: ClinVar variation 3900281 (VCV003900281.2).
Genomic context (GRCh38, chr8:76,707,668, plus strand): 5'-TCCCTCCTTACTGCAGGAGAGCTGTCACCTTATATCAGTGACCCAGCGCTGAAGCTATTC[C>T]AGTGTGCTGTTTGCAACAAATTCACCTCTGACAGCCTGGAGGCCCTAAGTGTGCATGTGA-3'